The following is an entry in ClinVar:

NM_001903.5(CTNNA1):c.1643G>A (p.Arg548Gln)

Gene: CTNNA1 (catenin alpha 1; plus strand). Cytogenetic location: 5q31.2.
Variant type: single nucleotide variant.
Coding change: c.1643G>A on transcript NM_001903.5 (MANE Select); coding-DNA position 1643, G replaced by A.
Protein change: p.Arg548Gln; replaces arginine 548 with glutamine.
Molecular consequence: missense variant.
Genome position (GRCh38, 1-based): chr5:138,924,606, G>A. VCF-style: chr5-138924606-G-A. GRCh37 (hg19) VCF-style: chr5-138260295-G-A.
Other names: c.1643G>A, p.Arg548Gln (NM_001290307.3, NM_001323982.2, NM_001323983.1 and 2 more transcripts); c.1334G>A, p.Arg445Gln (NM_001290309.3); c.1274G>A, p.Arg425Gln (NM_001290310.3); c.533G>A, p.Arg178Gln (NM_001290312.1, NM_001323987.1, NM_001323988.1 and 17 more transcripts); c.1550G>A, p.Arg517Gln (NM_001323986.2); c.194G>A, p.Arg65Gln (NM_001324006.1, NM_001324007.1, NM_001324008.1 and 2 more transcripts); c.440G>A, p.Arg147Gln (NM_001324011.1); c.290G>A, p.Arg97Gln (NM_001324012.1, NM_001324013.1); short protein forms R178Q, R425Q, R517Q, R147Q, R445Q, R65Q, R548Q, R97Q.
Identifiers: ClinVar variation 850969 (VCV000850969.10), dbSNP rs143060269, ClinGen allele CA3432001.

ClinVar aggregate classification (germline): Uncertain significance. Review status: criteria provided, multiple submitters, no conflicts (2 of 4 stars). 2 submissions from 2 submitters: Uncertain significance (2). Last evaluated 2025-09-02.

Conditions:
Hereditary cancer-predisposing syndrome. Also called: Tumor predisposition; Neoplastic Syndromes, Hereditary; Hereditary neoplastic syndrome; Hereditary Cancer Syndrome. Identifiers: Orphanet 140162, MedGen C0027672, MeSH D009386, MONDO:0015356.

Allele frequency attached by ClinVar (database versions not stated): gnomAD exomes below 0.00001; ExAC 0.00001; TOPMed 0.00001; ESP Exome Variant Server 0.00008.
gnomAD v4.1: 5 of 1,613,988 alleles (0.00031%); highest among the groups gnomAD compares: Non-Finnish European, 0.00042%; no homozygotes.

Submissions (2):

Labcorp Genetics (formerly Invitae), Labcorp
Classification: Uncertain significance. Last evaluated: 2025-09-02. Review status: criteria provided, single submitter. Criteria: Invitae Variant Classification Sherloc (09022015). Collection method: clinical testing. Allele origin: germline.
Comment: This sequence change replaces arginine, which is basic and polar, with glutamine, which is neutral and polar, at codon 548 of the CTNNA1 protein (p.Arg548Gln). This variant is present in population databases (rs143060269, gnomAD 0.0009%). This variant has not been reported in the literature in individuals affected with CTNNA1-related conditions. ClinVar contains an entry for this variant (Variation ID: 850969). Invitae Evidence Modeling of protein sequence and biophysical properties (such as structural, functional, and spatial information, amino acid conservation, physicochemical variation, residue mobility, and thermodynamic stability) has been performed for this missense variant. However, the output from this modeling did not meet the statistical confidence thresholds required to predict the impact of this variant on CTNNA1 protein function. In summary, the available evidence is currently insufficient to determine the role of this variant in disease. Therefore, it has been classified as a Variant of Uncertain Significance.

Ambry Genetics
Classification: Uncertain significance for Hereditary cancer-predisposing syndrome. Last evaluated: 2023-11-14. Review status: criteria provided, single submitter. Criteria: Ambry Variant Classification Scheme 2023. Collection method: clinical testing. Allele origin: germline.
Comment: The p.R548Q variant (also known as c.1643G>A), located in coding exon 11 of the CTNNA1 gene, results from a G to A substitution at nucleotide position 1643. The arginine at codon 548 is replaced by glutamine, an amino acid with highly similar properties. This amino acid position is highly conserved in available vertebrate species. In addition, the in silico prediction for this alteration is inconclusive. The evidence for this gene-disease relationship is limited; therefore, the clinical significance of this alteration is unclear.

Literature cited by the submitters: PubMed 32051609 (cited by Ambry Genetics).